The following is an entry in ClinVar:

ClinVar aggregate classification (germline): Pathogenic (1 of 4 stars; one submission).

Conditions:
Osteogenesis imperfecta type I (OI1). Also called: Lobstein's Disease; OI, TYPE I; OSTEOGENESIS IMPERFECTA TARDA; OSTEOGENESIS IMPERFECTA WITH BLUE SCLERAE; Lobstein disease; Classic Non-deforming Osteogenesis Imperfecta with Blue Sclerae. Identifiers: Orphanet 216796, Orphanet 666, MedGen C0023931, MONDO:0008146, OMIM 166200. Disease mechanism: loss of function.

Submission:

Labcorp Genetics (formerly Invitae), Labcorp
Classification: Pathogenic for Osteogenesis imperfecta type I. Last evaluated: 2019-05-14. Review status: criteria provided, single submitter. Criteria: Invitae Variant Classification Sherloc (09022015). Collection method: clinical testing. Allele origin: germline.
Comment: For these reasons, this variant has been classified as Pathogenic. Loss-of-function variants in COL1A1 are known to be pathogenic (PMID: 7942841, 9295084, 9443882). This variant is not present in population databases (ExAC no frequency). This sequence change creates a premature translational stop signal (p.Val687Argfs*21) in the COL1A1 gene. It is expected to result in an absent or disrupted protein product.

Literature cited by the submitters: PubMed 7942841; PubMed 9295084; PubMed 9443882.

NM_000088.4(COL1A1):c.2058_2062del (p.Val687fs)

Gene: COL1A1 (collagen type I alpha 1 chain; minus strand). Cytogenetic location: 17q21.33.
Variant type: Deletion.
Coding change: c.2058_2062del on transcript NM_000088.4 (MANE Select); coding-DNA positions 2058 to 2062, 5 bases deleted (TGTGC; older notation c.2058_2062delTGTGC).
Protein change: p.Val687fs; shifts the reading frame from valine 687.
Molecular consequence: frameshift variant.
Genome position (GRCh38, 1-based): chr17:50,191,853-50,191,857, GCACA deleted on the plus strand (TGTGC on the coding strand, the reverse complement: COL1A1 is on the minus strand). VCF-style (leftmost placement, unchanged base first): chr17-50191852-TGCACA-T. GRCh37 (hg19) VCF-style: chr17-48269213-TGCACA-T.
Other names: short protein forms V687fs.
Identifiers: ClinVar variation 948906 (VCV000948906.10), dbSNP rs1907110994, ClinGen allele CA1139665702.